The following is an entry in ClinVar:

ClinVar aggregate classification (germline): Uncertain significance (1 of 4 stars; one submission).

Submission:

GeneDx
Classification: Uncertain significance. Last evaluated: 2024-10-24. Review status: criteria provided, single submitter. Criteria: GeneDx Variant Classification Process June 2021. Collection method: clinical testing. Allele origin: germline. Affected: yes.
Comment: Not observed at significant frequency in large population cohorts (gnomAD); Has not been previously published as pathogenic or benign to our knowledge; In silico analysis supports that this missense variant has a deleterious effect on protein structure/function

NM_012280.4(FTSJ1):c.5G>A (p.Gly2Glu)

Gene: FTSJ1 (FtsJ RNA 2'-O-methyltransferase 1; plus strand). Cytogenetic location: Xp11.23.
Variant type: single nucleotide variant.
Coding change: c.5G>A on transcript NM_012280.4 (MANE Select); coding-DNA position 5, G replaced by A.
Protein change: p.Gly2Glu; replaces glycine 2 with glutamic acid.
Molecular consequence: missense variant. On other transcripts: intron variant (1).
Genome position (GRCh38, 1-based): chrX:48,478,052, G>A. VCF-style: chrX-48478052-G-A. GRCh37 (hg19) VCF-style: chrX-48336440-G-A.
Other names: c.5G>A, p.Gly2Glu (NM_001441195.1, NM_001441196.1, NM_001441197.1 and 4 more transcripts); c.-76-986G>A (NM_001282157.2); short protein forms G2E.
Identifiers: ClinVar variation 3893564 (VCV003893564.1).